The following is an entry in ClinVar:

ClinVar aggregate classification (germline): Uncertain significance (1 of 4 stars; one submission).

Submission:

Labcorp Genetics (formerly Invitae), Labcorp
Classification: Uncertain significance. Last evaluated: 2022-03-19. Review status: criteria provided, single submitter. Criteria: Invitae Variant Classification Sherloc (09022015). Collection method: clinical testing. Allele origin: germline.
Comment: This sequence change replaces lysine, which is basic and polar, with arginine, which is basic and polar, at codon 1432 of the KIAA1549 protein (p.Lys1432Arg). In summary, the available evidence is currently insufficient to determine the role of this variant in disease. Therefore, it has been classified as a Variant of Uncertain Significance. Algorithms developed to predict the effect of missense changes on protein structure and function are either unavailable or do not agree on the potential impact of this missense change (SIFT: "Deleterious"; PolyPhen-2: "Probably Damaging"; Align-GVGD: "Class C0"). ClinVar contains an entry for this variant (Variation ID: 957884). This variant has not been reported in the literature in individuals affected with KIAA1549-related conditions. This variant is not present in population databases (gnomAD no frequency).

NM_001164665.2(KIAA1549):c.4295A>G (p.Lys1432Arg)

Gene: KIAA1549 (KIAA1549; minus strand). Cytogenetic location: 7q34.
Variant type: single nucleotide variant.
Coding change: c.4295A>G on transcript NM_001164665.2 (MANE Select); coding-DNA position 4295, A replaced by G.
Protein change: p.Lys1432Arg; replaces lysine 1432 with arginine.
Molecular consequence: missense variant.
Genome position (GRCh38, 1-based): chr7:138,879,588, T>C on the plus strand (A>G on the coding strand, the complement: KIAA1549 is on the minus strand). VCF-style: chr7-138879588-T-C. GRCh37 (hg19) VCF-style: chr7-138564334-T-C.
Other names: c.4295A>G, p.Lys1432Arg (NM_020910.3); short protein forms K1432R.
Identifiers: ClinVar variation 957884 (VCV000957884.9), dbSNP rs1811185008, ClinGen allele CA369376051.